The following is an entry in ClinVar:

NM_001003694.2(BRPF1):c.956G>A (p.Arg319His)

Gene: BRPF1 (bromodomain and PHD finger containing 1; plus strand). Cytogenetic location: 3p25.3.
Variant type: single nucleotide variant.
Coding change: c.956G>A on transcript NM_001003694.2 (MANE Select); coding-DNA position 956, G replaced by A.
Protein change: p.Arg319His; replaces arginine 319 with histidine.
Molecular consequence: missense variant. On other transcripts: non-coding transcript variant (1).
Genome position (GRCh38, 1-based): chr3:9,739,355, G>A. VCF-style: chr3-9739355-G-A. GRCh37 (hg19) VCF-style: chr3-9781039-G-A.
Other names: c.956G>A, p.Arg319His (NM_001319049.2, NM_001319050.2, NM_001410704.1 and 1 more transcripts); short protein forms R319H.
Identifiers: ClinVar variation 3993205 (VCV003993205.3).

ClinVar aggregate classification (germline): Uncertain significance. Review status: criteria provided, multiple submitters, no conflicts (2 of 4 stars). 3 submissions from 3 submitters: Uncertain significance (3). Last evaluated 2026-03-15.

Conditions:
Inborn genetic diseases. Identifiers: MedGen C0950123, MeSH D030342.

gnomAD v4.1: 12 of 1,614,042 alleles (0.00074%); highest among the groups gnomAD compares: Middle Eastern, 0.016%; no homozygotes.

Submissions (3):

GeneDx
Classification: Uncertain significance. Last evaluated: 2026-03-15. Review status: criteria provided, single submitter. Criteria: GeneDx Variant Classification Process June 2021. Collection method: clinical testing. Allele origin: germline.
Comment: In silico analysis suggests that this missense variant does not alter protein structure/function; Has not been previously published as pathogenic or benign to our knowledge

Ambry Genetics
Classification: Uncertain significance for Inborn genetic diseases. Last evaluated: 2025-06-12. Review status: criteria provided, single submitter. Criteria: Ambry Variant Classification Scheme 2023. Collection method: clinical testing. Allele origin: germline.

Blueprint Genetics
Classification: Uncertain significance. Last evaluated: 2021-04-19. Review status: criteria provided, single submitter. Criteria: ACMG Guidelines, 2015. Collection method: clinical testing. Allele origin: germline.